The following is an entry in ClinVar:

ClinVar aggregate classification (germline): Pathogenic (0 of 4 stars; one submission).

Conditions:
Autosomal dominant hypocalcemia 1 (HYPOC1). Also called: HYPOCALCEMIA, FAMILIAL. Identifiers: MedGen C3715128, MONDO:0011013, OMIM 601198.

Submission:

Center for Bone Health, The Children's Hospital of Philadelphia
Classification: Pathogenic for Autosomal dominant hypocalcemia 1. Last evaluated: 2020-08-04. Review status: no assertion criteria provided. Collection method: clinical testing. Allele origin: de novo. Inheritance: Sporadic. Affected: yes. Observed: 1 heterozygote.
Comment: Mutation results in a gain of function.

NM_000388.4(CASR):c.2429G>A (p.Ser810Asn)

Gene: CASR (calcium sensing receptor; plus strand). Cytogenetic location: 3q21.1.
Variant type: single nucleotide variant.
Coding change: c.2429G>A on transcript NM_000388.4 (MANE Select); coding-DNA position 2429, G replaced by A.
Protein change: p.Ser810Asn; replaces serine 810 with asparagine.
Molecular consequence: missense variant.
Genome position (GRCh38, 1-based): chr3:122,284,383, G>A. VCF-style: chr3-122284383-G-A. GRCh37 (hg19) VCF-style: chr3-122003230-G-A.
Other names: c.2459G>A, p.Ser820Asn (NM_001178065.2); short protein forms S810N, S820N.
Identifiers: ClinVar variation 978027 (VCV000978027.3), dbSNP rs2074938472, ClinGen allele CA354159781.